The following is an entry in ClinVar:

ClinVar aggregate classification (germline): Likely benign. Review status: criteria provided, multiple submitters, no conflicts (2 of 4 stars). 2 submissions from 2 submitters: Likely benign (2). Last evaluated 2026-10-01.

Conditions:
Generalized epilepsy-paroxysmal dyskinesia syndrome (PNKD3). Also called: Paroxysmal nonkinesigenic dyskinesia, 3, with or without generalized epilepsy; Generalized epilepsy and paroxysmal dyskinesia. Identifiers: Orphanet 79137, MedGen C5574945, MONDO:0012276, OMIM 609446.

Allele frequency attached by ClinVar (database versions not stated): gnomAD 0.00002 and 0.00003; TOPMed 0.00005.
gnomAD v4.1: 3 of 1,612,594 alleles (0.00019%); highest among the groups gnomAD compares: Admixed American, 0.005%; no homozygotes.

Submissions (2):

CeGaT Center for Human Genetics Tuebingen
Classification: Likely benign. Last evaluated: 2026-10-01. Review status: criteria provided, single submitter. Criteria: CeGaT Center For Human Genetics Tuebingen Variant Classification Criteria Version 2. Collection method: clinical testing. Allele origin: germline. Affected: yes. Observed: 1 variant allele.
Comment: KCNMA1: BP4, BP7

Labcorp Genetics (formerly Invitae), Labcorp
Classification: Likely benign for Generalized epilepsy-paroxysmal dyskinesia syndrome. Last evaluated: 2025-06-27. Review status: criteria provided, single submitter. Criteria: Invitae Variant Classification Sherloc (09022015). Collection method: clinical testing. Allele origin: germline.

NM_001161352.2(KCNMA1):c.2994C>T (p.Asn998=)

Genes: KCNMA1 (potassium calcium-activated channel subfamily M alpha 1; minus strand), KCNMA1-AS1 (KCNMA1 antisense RNA 1; plus strand). Cytogenetic location: 10q22.3.
Variant type: single nucleotide variant.
Coding change: c.2994C>T on transcript NM_001161352.2 (MANE Select); coding-DNA position 2994, C replaced by T.
Protein change: p.Asn998=; no amino-acid change (asparagine 998 retained).
Molecular consequence: synonymous variant.
Genome position (GRCh38, 1-based): chr10:76,914,958, G>A on the plus strand (C>T on the coding strand, the complement: KCNMA1 is on the minus strand). VCF-style: chr10-76914958-G-A. GRCh37 (hg19) VCF-style: chr10-78674716-G-A.
Other names: c.2832C>T, p.Asn944= (NM_001014797.3, NM_001322835.2, NM_001322837.2); c.2943C>T, p.Asn981= (NM_001161353.2); c.2670C>T, p.Asn890= (NM_001271518.2); c.2829C>T, p.Asn943= (NM_001271519.2, NM_001322829.2, NM_001322836.2); c.2841C>T, p.Asn947= (NM_001322830.2); c.2820C>T, p.Asn940= (NM_001322832.2, NM_002247.4); c.2367C>T, p.Asn789= (NM_001322838.2).
Identifiers: ClinVar variation 749447 (VCV000749447.12), dbSNP rs991345002, ClinGen allele CA210079389.